The following continues an entry in ClinVar:

NM_000257.4(MYH7):c.2609G>A (p.Arg870His)

ClinVar aggregate classification (germline): Pathogenic. Pathogenic (1).

Submissions 8 to 17 of 31:

All of Us Research Program, National Institutes of Health
Classification: Pathogenic for Hypertrophic cardiomyopathy. Last evaluated: 2024-03-24. Review status: criteria provided, single submitter. Criteria: ACMG Guidelines, 2015. Collection method: clinical testing. Allele origin: germline. Inheritance: Autosomal dominant inheritance. Observed: 2 variant alleles, 2 heterozygotes. Not counted in ClinVar's aggregate classification.
Comment: This missense variant replaces arginine with histidine at codon 870 of the MYH7 protein. Computational prediction suggests that this variant may have a deleterious impact on protein structure and function (internally defined REVEL score threshold >= 0.7, PMID: 27666373). This variant is found within a highly conserved region of the myosin head domain. Missense variants in this region have been shown to be significantly overrepresented in individuals with hypertrophic cardiomyopathy (PMID: 27532257). To our knowledge, functional studies have not been reported for this variant. This variant has been reported in over 50 individuals affected with hypertrophic cardiomyopathy (PMID: 7796500, 9172070, 10725281, 12974739, 16650083, 17125710, 17703256, 19150014, 20031618, 21674835, 22429680, 22765922, 23283745, 23816408, 24111713, 24793961, 25132132, 25351510, 25611685, 27532257, 27885498, 28408708, 28615295, 28790153, 29875424, 30847666, 31513939, 31737537, 32746448, 33029862, 33673806, 35288587). It has been shown that this variant segregates with disease in multiple affected individuals across several large families (PMID: 7796500, 12974739, 16650083, 17703256). It has also been reported in an individual affected with arrhythmogenic cardiomyopathy (PMID: 34067482). This variant has been identified in 2/282808 chromosomes in the general population by the Genome Aggregation Database (gnomAD). A different variant affecting the same codon, p.Arg870Cys, is considered to be disease-causing (ClinVar variation ID: 161326), suggesting that arginine at this position is important for MYH7 protein function. Based on the available evidence, this variant is classified as Pathogenic.

This study involves interpretation of variants in research participants for the purpose of population health screening. Participant phenotype was not available at the time of variant classification. Additional details can be found in publication PMID: 35346344, PMCID: PMC8962531

Blueprint Genetics
Classification: Pathogenic for MYH7-related disorders. Last evaluated: 2024-02-23. Review status: criteria provided, single submitter. Criteria: ACMG Guidelines, 2015. Collection method: clinical testing. Allele origin: germline. Affected: yes. Observed: 5 variant alleles. Not counted in ClinVar's aggregate classification.

ARUP Laboratories, Molecular Genetics and Genomics, ARUP Laboratories
Classification: Pathogenic. Last evaluated: 2023-12-01. Review status: criteria provided, single submitter. Criteria: ARUP Molecular Germline Variant Investigation Process 2024. Collection method: clinical testing. Allele origin: germline. Not counted in ClinVar's aggregate classification.
Comment: The MYH7 c.2609G>A; p.Arg870His variant (rs36211715) is reported in numerous individuals with hypertrophic cardiomyopathy and segregates with disease in families (see Bashyam 2007, Capek 2011, Nishi 1995). This variant is classified as pathogenic by an expert panel in the ClinVar database (Variation ID: 14120). It is only found on two alleles in the Genome Aggregation Database (v2.1.1), indicating it is not a common polymorphism. Computational analyses predict that this variant is deleterious (REVEL: 0.807). In support of these predictions, functional analyses demonstrate that the variant has a significant impact on the normal protein function (Cuda 1997, Singh 2021). Based on available information, this variant is considered to be pathogenic. References: Bashyam MD et al. A p.R870H mutation in the beta-cardiac myosin heavy chain 7 gene causes familial hypertrophic cardiomyopathy in several members of an Indian family. Can J Cardiol. 2007 Aug;23(10):788-90. PMID: 17703256. Capek P et al. Hypertrophic cardiomyopathy: from mutation to functional analysis of defective protein. Croat Med J. 2011 Jun;52(3):384-91. PMID: 21674835. Cuda G et al. The in vitro motility activity of beta-cardiac myosin depends on the nature of the beta-myosin heavy chain gene mutation in hypertrophic cardiomyopathy. J Muscle Res Cell Motil. 1997 Jun;18(3):275-83. PMID: 9172070. Nishi H et al. A myosin missense mutation, not a null allele, causes familial hypertrophic cardiomyopathy. Circulation. 1995 Jun 15;91(12):2911-5. PMID: 7796500. Singh RR et al. Mutations in myosin S2 alter cardiac myosin-binding protein-C interaction in hypertrophic cardiomyopathy in a phosphorylation-dependent manner. J Biol Chem. 2021 Jul;297(1):100836. PMID: 34051236.

Women's Health and Genetics/Laboratory Corporation of America, LabCorp
Classification: Pathogenic for Primary familial hypertrophic cardiomyopathy. Last evaluated: 2023-07-10. Review status: criteria provided, single submitter. Criteria: LabCorp Variant Classification Summary - May 2015. Collection method: clinical testing. Allele origin: germline. Not counted in ClinVar's aggregate classification.
Comment: Variant summary: MYH7 c.2609G>A (p.Arg870His) results in a non-conservative amino acid change located in the Myosin tail domain (IPR002928) of the encoded protein sequence. Four of five in-silico tools predict a damaging effect of the variant on protein function. The variant allele was found at a frequency of 4e-06 in 251430 control chromosomes (gnomAD). c.2609G>A has been reported in the literature in multiple individuals affected with Hypertrophic Cardiomyopathy (examples: Koga_1996, Atiga_2000, Laredo_2006, Tanjore_2006). These data indicate that the variant is very likely to be associated with disease. Multiple reports have shown that this variant impairs normal activity of the protein (examples: Cuda_1997 and Gruen_1999). Fourteen submitters (including ClinGen Cardiomyopathy Variant Curation Expert Panel) have cited clinical-significance assessments for this variant to ClinVar after 2014. All submitters classified the variant as pathogenic. Based on the evidence outlined above, the variant was classified as pathogenic.

CeGaT Center for Human Genetics Tuebingen
Classification: Pathogenic. Last evaluated: 2022-11-01. Review status: criteria provided, single submitter. Criteria: CeGaT Center For Human Genetics Tuebingen Variant Classification Criteria Version 2. Collection method: clinical testing. Allele origin: germline. Affected: yes. Observed: 2 variant alleles. Not counted in ClinVar's aggregate classification.
Comment: MYH7: PS3, PS4, PP1, PP2

Clinical Genetics Laboratory, Skane University Hospital Lund
Classification: Pathogenic. Last evaluated: 2022-07-13. Review status: criteria provided, single submitter. Criteria: ACMG Guidelines, 2015. Collection method: clinical testing. Allele origin: germline. Affected: yes. Not counted in ClinVar's aggregate classification.

GeneDx
Classification: Pathogenic. Last evaluated: 2022-02-14. Review status: criteria provided, single submitter. Criteria: GeneDx Variant Classification Process June 2021. Collection method: clinical testing. Allele origin: germline. Affected: yes. Not counted in ClinVar's aggregate classification.
Comment: Functional studies demonstrated that p.(R870H) affects myosin protein function and drastically reduces myosin binding to myosin-binding protein C (MyBP-C) (Cude at al., 1997; Gruen et al., 1999); Not observed at significant frequency in large population cohorts (gnomAD); In silico analysis supports that this missense variant has a deleterious effect on protein structure/function; Reported in ClinVar as pathogenic by the ClinGen Inherited Cardiomyopathy Expert Panel (ClinVar Variant ID# 14120; ClinVar); This variant is associated with the following publications: (PMID: 22765922, 23816408, 27247418, 10725281, 8541871, 24111713, 16650083, 22429680, 12974739, 21310275, 7796500, 23283745, 19150014, 10024460, 28166811, 27532257, 21674835, 28420666, 28481356, 28606303, 29030401, 8483915, 17192269, 23074333, 29565423, 7731997, 25611685, 29300372, 17125710, 20031618, 31447099, 31737537, 31513939, 30847666, 33673806, 32746448, 34051236, 34067482, 32894683, 33087929, 17703256, 9172070)

Victorian Clinical Genetics Services, Murdoch Childrens Research Institute
Classification: Pathogenic for Hypertrophic cardiomyopathy 1. Last evaluated: 2022-02-02. Review status: criteria provided, single submitter. Criteria: ACMG Guidelines, 2015. Collection method: clinical testing. Allele origin: germline. Inheritance: Autosomal dominant inheritance. Affected: yes. Not counted in ClinVar's aggregate classification.
Comment: Based on the classification scheme VCGS_Germline_v1.3.4, this variant is classified as a Pathogenic. Following criteria are met: 0105 - The mechanism of disease for this gene is not clearly established, however, missense variants have been proposed to act in a dominant negative manner (PMID: 24714796). (I) 0108 - This gene is associated with both recessive and dominant disease. Pathogenic variants in this gene are usually heterozygous, however a recessive inheritance pattern has been observed in severe cases (OMIM). (I) 0112 - The condition associated with this gene has incomplete penetrance (PMID: 29300372). (I) 0200 - Variant is predicted to result in a missense amino acid change from arginine to histidine. (I) 0251 - This variant is heterozygous. (I) 0302 - Variant is present in gnomAD (v2) <0.001 for a dominant condition (2 heterozygotes, 0 homozygotes). (SP) 0309 - An alternative amino acid change at the same position has been observed in gnomAD (v2) (6 heterozygotes, 0 homozygotes). (I) 0501 - Missense variant consistently predicted to be damaging by multiple in silico tools or highly conserved with a major amino acid change. (SP) 0602 - Variant is located in a hotspot region or cluster of pathogenic variants. This variant is found within the head region, which is enriched with pathogenic missense variants (PMID: 29300372). (SP) 0801 - This variant has strong previous evidence of pathogenicity in unrelated individuals. This is a well reported pathogenic variants in individuals with hypertrophic cardiomyopathy (ClinVar, PMID: 28408708). (SP) 1208 - Inheritance information for this variant is not currently available in this individual. (I) Legend: (SP) - Supporting pathogenic, (I) - Information, (SB) - Supporting benign

AiLife Diagnostics
Classification: Pathogenic. Last evaluated: 2022-01-06. Review status: criteria provided, single submitter. Criteria: ACMG Guidelines, 2015. Collection method: clinical testing. Allele origin: germline. Affected: yes. Observed: 1 variant allele. Not counted in ClinVar's aggregate classification.

Institute of Medical Genetics and Applied Genomics, University Hospital Tübingen
Classification: Pathogenic. Last evaluated: 2021-09-15. Review status: criteria provided, single submitter. Criteria: ACMG Guidelines, 2015. Collection method: clinical testing. Allele origin: germline. Inheritance: Autosomal dominant inheritance. Affected: yes. Not counted in ClinVar's aggregate classification.